The following is an entry in ClinVar:

ClinVar aggregate classification (germline): Likely benign (0 of 4 stars; one submission).

Conditions:
SLC26A4-related disorder. Also called: SLC26A4-related disorders; SLC26A4-related condition.

Allele frequency attached by ClinVar (database versions not stated): 1000 Genomes Project 30x 0.01265; 1000 Genomes Project 0.01398; gnomAD 0.02941; TOPMed 0.02948.
gnomAD v4.1: 4,500 of 152,024 alleles (3%); highest among the groups gnomAD compares: Middle Eastern, 4.8%; 82 homozygotes.

Submission:

PreventionGenetics, part of Exact Sciences
Classification: Likely benign for SLC26A4-related condition. Last evaluated: 2024-09-09. Review status: no assertion criteria provided. Collection method: clinical testing. Allele origin: germline.
Comment: This variant is classified as likely benign based on ACMG/AMP sequence variant interpretation guidelines (Richards et al. 2015 PMID: 25741868, with internal and published modifications).

NC_000007.14:g.107289789C>T

Genes: COG5 (component of oligomeric golgi complex 5; minus strand), SLC26A4 (solute carrier family 26 member 4; plus strand). Cytogenetic location: 7q22.3.
Variant type: single nucleotide variant.
Molecular consequence: intron variant (on NM_006348.5).
Genome position: GRCh38 VCF-style: chr7-107289789-C-T. GRCh37 (hg19) VCF-style: chr7-106930234-C-T.
Other names: c.600-6057G>A (NM_001379516.1); c.744-6057G>A (NM_001379515.1); c.1313+8353G>A (NM_001379511.1); c.1314-6057G>A (NM_001379512.1, NM_181733.4, NM_001379514.1 and 3 more transcripts).
Identifiers: ClinVar variation 3047586 (VCV003047586.2), dbSNP rs117386523, ClinGen allele CA164688534.